The following is an entry in ClinVar:

NM_006445.4(PRPF8):c.6970dup (p.Glu2324fs)

Gene: PRPF8 (pre-mRNA processing factor 8; minus strand). Cytogenetic location: 17p13.3.
Variant type: Duplication.
Coding change: c.6970dup on transcript NM_006445.4 (MANE Select); coding-DNA position 6970, one base duplicated (G; older notation c.6970dupG).
Protein change: p.Glu2324fs; shifts the reading frame from glutamic acid 2324.
Molecular consequence: frameshift variant.
Genome position (GRCh38, 1-based): chr17:1,650,840, C duplicated on the plus strand (G on the coding strand, the reverse complement: PRPF8 is on the minus strand); the first of 5 consecutive C bases (chr17:1,650,840-1,650,844); duplicating any one gives the same sequence. VCF-style (leftmost placement, unchanged base first): chr17-1650839-T-TC. GRCh37 (hg19) VCF-style: chr17-1554133-T-TC.
Other names: short protein forms E2324fs.
Identifiers: ClinVar variation 425117 (VCV000425117.52), dbSNP rs1064797215, ClinGen allele CA16621698.

ClinVar aggregate classification (germline): Pathogenic/Likely pathogenic. Review status: criteria provided, multiple submitters, no conflicts (2 of 4 stars). 5 submissions from 5 submitters: Pathogenic (2); Likely pathogenic (3). Last evaluated 2024-04-17.

Conditions:
Retinitis pigmentosa (RP). Identifiers: Orphanet 791, MedGen C0035334, MeSH D012174, MONDO:0019200, OMIM 268000. Inheritance: Autosomal dominant, autosomal recessive and X linked inheritance.
Retinitis pigmentosa 13 (RP13). Also called: PRPF 8-Related Retinitis Pigmentosa. Identifiers: Orphanet 791, MedGen C1838702, MONDO:0010806, OMIM 600059.

Submissions (5):

Labcorp Genetics (formerly Invitae), Labcorp
Classification: Pathogenic. Last evaluated: 2024-04-17. Review status: criteria provided, single submitter. Criteria: Invitae Variant Classification Sherloc (09022015). Collection method: clinical testing. Allele origin: germline.
Comment: This sequence change results in a frameshift in the PRPF8 gene (p.Glu2324Glyfs*61). While this is not anticipated to result in nonsense mediated decay, it is expected to disrupt the last 12 amino acid(s) of the PRPF8 protein and extend the protein by 48 additional amino acid residues. This variant is not present in population databases (gnomAD no frequency). This variant has not been reported in the literature in individuals affected with PRPF8-related conditions. ClinVar contains an entry for this variant (Variation ID: 425117). This variant disrupts a region of the PRPF8 protein in which other variant(s) (p.Tyr2334Asn) have been determined to be pathogenic (PMID: 20232351, 21378395, 28515276; Invitae). This suggests that this is a clinically significant region of the protein, and that variants that disrupt it are likely to be disease-causing. For these reasons, this variant has been classified as Pathogenic.

Ocular Genomics Institute, Massachusetts Eye and Ear
Classification: Likely pathogenic for Retinitis pigmentosa 13. Last evaluated: 2021-04-08. Review status: criteria provided, single submitter. Criteria: ACMG Guidelines, 2015. Collection method: research. Allele origin: germline. Affected: yes.
Comment: Through a review of available evidence we were able to apply the following criteria: PVS1, PM2. Based on this evidence we have classified this variant as Likely Pathogenic.

Institute of Medical Genetics and Applied Genomics, University Hospital Tübingen
Classification: Likely pathogenic. Last evaluated: 2020-10-23. Review status: criteria provided, single submitter. Criteria: ACMG Guidelines, 2015. Collection method: clinical testing. Allele origin: germline. Inheritance: Unknown mechanism. Affected: yes.

Molecular Genetics Laboratory, Institute for Ophthalmic Research
Classification: Pathogenic for Retinitis pigmentosa. Last evaluated: 2020-01-09. Review status: criteria provided, single submitter. Criteria: ACMG Guidelines, 2015. Collection method: research. Allele origin: germline. Affected: yes.

CeGaT Center for Human Genetics Tuebingen
Classification: Likely pathogenic. Last evaluated: 2016-11-01. Review status: criteria provided, single submitter. Criteria: CeGaT Center For Human Genetics Tuebingen Variant Classification Criteria Version 2. Collection method: clinical testing. Allele origin: germline. Affected: yes. Observed: 1 variant allele.

Literature cited by the submitters: PubMed 20232351 (cited by Labcorp Genetics (formerly Invitae), Labcorp); PubMed 21378395 (cited by Labcorp Genetics (formerly Invitae), Labcorp); PubMed 28515276 (cited by Labcorp Genetics (formerly Invitae), Labcorp).